The following is an entry in ClinVar:

ClinVar aggregate classification (germline): Conflicting classifications of pathogenicity. Review status: criteria provided, conflicting classifications (1 of 4 stars). 3 submissions from 3 submitters: Uncertain significance (2); Likely benign (1). Last evaluated 2025-07-07.

Conditions:
Hereditary breast ovarian cancer syndrome. Also called: Hereditary breast and ovarian cancer syndrome (HBOC); Hereditary breast and ovarian cancer syndrome; Breast and ovarian cancer; Hereditary breast and/or ovarian cancer syndrome; Hereditary breast and ovarian cancer; BRCA1- and BRCA2-Associated Hereditary Breast and Ovarian Cancer. Identifiers: Orphanet 145, MedGen C0677776, MeSH D061325, MONDO:0003582. Disease mechanism: loss of function.
Hereditary cancer-predisposing syndrome. Also called: Neoplastic Syndromes, Hereditary; Hereditary Cancer Syndrome; Hereditary neoplastic syndrome; Tumor predisposition. Identifiers: Orphanet 140162, MedGen C0027672, MeSH D009386, MONDO:0015356.

Submissions (3):

Labcorp Genetics (formerly Invitae), Labcorp
Classification: Uncertain significance for Hereditary breast ovarian cancer syndrome. Last evaluated: 2025-07-07. Review status: criteria provided, single submitter. Criteria: Invitae Variant Classification Sherloc (09022015). Collection method: clinical testing. Allele origin: germline.
Comment: This sequence change replaces arginine, which is basic and polar, with glycine, which is neutral and non-polar, at codon 661 of the BRCA1 protein (p.Arg661Gly). This variant is not present in population databases (gnomAD no frequency). This variant has not been reported in the literature in individuals affected with BRCA1-related conditions. ClinVar contains an entry for this variant (Variation ID: 462573). Invitae Evidence Modeling of protein sequence and biophysical properties (such as structural, functional, and spatial information, amino acid conservation, physicochemical variation, residue mobility, and thermodynamic stability) indicates that this missense variant is not expected to disrupt BRCA1 protein function with a negative predictive value of 80%. In summary, the available evidence is currently insufficient to determine the role of this variant in disease. Therefore, it has been classified as a Variant of Uncertain Significance.

Ambry Genetics
Classification: Uncertain significance for Hereditary cancer-predisposing syndrome. Last evaluated: 2023-11-01. Review status: criteria provided, single submitter. Criteria: Ambry Variant Classification Scheme 2023. Collection method: clinical testing. Allele origin: germline.
Comment: The p.R661G variant (also known as c.1981A>G), located in coding exon 9 of the BRCA1 gene, results from an A to G substitution at nucleotide position 1981. The arginine at codon 661 is replaced by glycine, an amino acid with dissimilar properties. This amino acid position is not well conserved in available vertebrate species. In addition, the in silico prediction for this alteration is inconclusive. Since supporting evidence is limited at this time, the clinical significance of this alteration remains unclear.

University of Washington Department of Laboratory Medicine, University of Washington
Classification: Likely benign for Hereditary cancer-predisposing syndrome. Last evaluated: 2023-03-23. Review status: criteria provided, single submitter. Criteria: Dines et al. (Genet Med. 2020). Collection method: curation. Allele origin: germline.
Comment: Missense variant in a coldspot region where missense variants are very unlikely to be pathogenic (PMID:31911673).

BRCA1 coldspot (exon 11 using historical exon numbering). Reclassification based on statistical prior probability

NM_007294.4(BRCA1):c.1981A>G (p.Arg661Gly)

Gene: BRCA1 (BRCA1 DNA repair associated; minus strand). Cytogenetic location: 17q21.31.
Variant type: single nucleotide variant.
Coding change: c.1981A>G on transcript NM_007294.4 (MANE Select); coding-DNA position 1981, A replaced by G.
Protein change: p.Arg661Gly; replaces arginine 661 with glycine.
Molecular consequence: missense variant. On other transcripts: intron variant (137).
Genome position (GRCh38, 1-based): chr17:43,093,550, T>C on the plus strand (A>G on the coding strand, the complement: BRCA1 is on the minus strand). VCF-style: chr17-43093550-T-C. GRCh37 (hg19) VCF-style: chr17-41245567-T-C.
Other names: c.1981A>G, p.Arg661Gly (NM_001407617.1, NM_001407622.1, NM_001407619.1 and 30 more transcripts); c.1840A>G, p.Arg614Gly (NM_001407942.1, NM_001407944.1, NM_001407945.1 and 29 more transcripts); c.586+1194A>G (NM_001408474.1, NM_001408476.1); c.1837A>G, p.Arg613Gly (NM_001407943.1, NM_001407740.1, NM_001407741.1 and 20 more transcripts); c.709+1194A>G (NM_001408409.1, NM_001408412.1, NM_001408414.1 and 2 more transcripts); c.574+1194A>G (NM_001408493.1, NM_001408490.1, NM_001408491.1); c.454+1194A>G (NM_001408502.1); c.577+1194A>G (NM_001408479.1, NM_001408489.1, NM_001408481.1 and 9 more transcripts); and 40 more; short protein forms R661G, R614G, R550G, R593G, R594G, R660G, R549G, R591G.
Identifiers: ClinVar variation 462573 (VCV000462573.16), dbSNP rs1555590724, ClinGen allele CA10598055.